The following is an entry in ClinVar:

NM_024409.4(NPPC):c.137C>G (p.Ala46Gly)

Gene: NPPC (natriuretic peptide C; minus strand). Cytogenetic location: 2q37.1.
Variant type: single nucleotide variant.
Coding change: c.137C>G on transcript NM_024409.4 (MANE Select); coding-DNA position 137, C replaced by G.
Protein change: p.Ala46Gly; replaces alanine 46 with glycine.
Molecular consequence: missense variant.
Genome position (GRCh38, 1-based): chr2:231,925,669, G>C on the plus strand (C>G on the coding strand, the complement: NPPC is on the minus strand). VCF-style: chr2-231925669-G-C. GRCh37 (hg19) VCF-style: chr2-232790379-G-C.
Other names: short protein forms A46G.
Identifiers: ClinVar variation 3611475 (VCV003611475.2).

ClinVar aggregate classification (germline): Uncertain significance (1 of 4 stars; one submission).

gnomAD v4.1: 38 of 1,597,926 alleles (0.0024%); highest among the groups gnomAD compares: Non-Finnish European, 0.0031%; no homozygotes.

Submission:

Labcorp Genetics (formerly Invitae), Labcorp
Classification: Uncertain significance. Last evaluated: 2024-08-21. Review status: criteria provided, single submitter. Criteria: Invitae Variant Classification Sherloc (09022015). Collection method: clinical testing. Allele origin: germline.
Comment: This sequence change replaces alanine, which is neutral and non-polar, with glycine, which is neutral and non-polar, at codon 46 of the NPPC protein (p.Ala46Gly). This variant is present in population databases (no rsID available, gnomAD 0.0009%). This variant has not been reported in the literature in individuals affected with NPPC-related conditions. An algorithm developed to predict the effect of missense changes on protein structure and function (PolyPhen-2) suggests that this variant is likely to be disruptive. In summary, the available evidence is currently insufficient to determine the role of this variant in disease. Therefore, it has been classified as a Variant of Uncertain Significance.